The following is an entry in ClinVar:

NM_144596.4(TTC8):c.935C>A (p.Ala312Glu)

Gene: TTC8 (tetratricopeptide repeat domain 8; plus strand). Cytogenetic location: 14q31.3.
Variant type: single nucleotide variant.
Coding change: c.935C>A on transcript NM_144596.4 (MANE Select); coding-DNA position 935, C replaced by A.
Protein change: p.Ala312Glu; replaces alanine 312 with glutamic acid.
Molecular consequence: missense variant. On other transcripts: non-coding transcript variant (1).
Genome position (GRCh38, 1-based): chr14:88,870,084, C>A. VCF-style: chr14-88870084-C-A. GRCh37 (hg19) VCF-style: chr14-89336428-C-A.
Other names: c.905C>A, p.Ala302Glu (NM_198309.3, NM_001366535.2); c.815C>A, p.Ala272Glu (NM_198310.3, NM_001366536.2); c.983C>A, p.Ala328Glu (NM_001288781.1); c.341C>A, p.Ala114Glu (NM_001288782.1); c.218C>A, p.Ala73Glu (NM_001288783.1); short protein forms A328E, A272E, A302E, A73E, A114E, A312E.
Identifiers: ClinVar variation 1484278 (VCV001484278.6), dbSNP rs1010519307, ClinGen allele CA390549327.

ClinVar aggregate classification (germline): Uncertain significance (1 of 4 stars; one submission).

Conditions:
Bardet-Biedl syndrome (BBS). Identifiers: Orphanet 110, MedGen C0752166, MONDO:0015229.

gnomAD v4.1: 1 of 1,613,988 alleles (0.000062%); highest among the groups gnomAD compares: Non-Finnish European, 0.000085%; no homozygotes.

Submission:

Labcorp Genetics (formerly Invitae), Labcorp
Classification: Uncertain significance for Bardet-Biedl syndrome. Last evaluated: 2021-11-17. Review status: criteria provided, single submitter. Criteria: Invitae Variant Classification Sherloc (09022015). Collection method: clinical testing. Allele origin: germline.
Comment: This variant has not been reported in the literature in individuals affected with TTC8-related conditions. Algorithms developed to predict the effect of missense changes on protein structure and function (SIFT, PolyPhen-2, Align-GVGD) all suggest that this variant is likely to be tolerated. In summary, the available evidence is currently insufficient to determine the role of this variant in disease. Therefore, it has been classified as a Variant of Uncertain Significance. This variant is not present in population databases (gnomAD no frequency). This sequence change replaces alanine, which is neutral and non-polar, with glutamic acid, which is acidic and polar, at codon 302 of the TTC8 protein (p.Ala302Glu).